The following is an entry in ClinVar:

ClinVar aggregate classification (germline): Uncertain significance. Review status: criteria provided, multiple submitters, no conflicts (2 of 4 stars). 2 submissions from 2 submitters: Uncertain significance (2). Last evaluated 2026-03-19.

Conditions:
Inborn genetic diseases. Identifiers: MedGen C0950123, MeSH D030342.
Autosomal dominant nocturnal frontal lobe epilepsy 5. Also called: KCNT1-Related Epilepsy; Epilepsy, nocturnal frontal lobe, 5; CILIARY DYSKINESIA, PRIMARY, 28, WITHOUT SITUS INVERSUS; CILIARY DYSKINESIA, PRIMARY, 28, WITH SITUS INVERSUS. Identifiers: Orphanet 98784, MedGen C3554306, MONDO:0014002, OMIM 615005.
Developmental and epileptic encephalopathy, 14 (DEE14). Also called: Early infantile epileptic encephalopathy 14. Identifiers: Orphanet 293181, MedGen C3554195, MONDO:0013989, OMIM 614959.

Allele frequency attached by ClinVar (database versions not stated): TOPMed below 0.00001; gnomAD exomes 0.00001.
gnomAD v4.1: 8 of 1,612,164 alleles (0.0005%); highest among the groups gnomAD compares: South Asian, 0.0011%; no homozygotes.

Submissions (2):

Ambry Genetics
Classification: Uncertain significance for Inborn genetic diseases. Last evaluated: 2026-03-19. Review status: criteria provided, single submitter. Criteria: Ambry Variant Classification Scheme 2023. Collection method: clinical testing. Allele origin: germline.

Labcorp Genetics (formerly Invitae), Labcorp
Classification: Uncertain significance for Autosomal dominant nocturnal frontal lobe epilepsy 5; Developmental and epileptic encephalopathy, 14. Last evaluated: 2023-01-19. Review status: criteria provided, single submitter. Criteria: Invitae Variant Classification Sherloc (09022015). Collection method: clinical testing. Allele origin: germline.
Comment: In summary, the available evidence is currently insufficient to determine the role of this variant in disease. Therefore, it has been classified as a Variant of Uncertain Significance. Algorithms developed to predict the effect of sequence changes on RNA splicing suggest that this variant may create or strengthen a splice site. Advanced modeling of protein sequence and biophysical properties (such as structural, functional, and spatial information, amino acid conservation, physicochemical variation, residue mobility, and thermodynamic stability) performed at Invitae indicates that this missense variant is not expected to disrupt KCNT1 protein function. This variant has not been reported in the literature in individuals affected with KCNT1-related conditions. This variant is not present in population databases (gnomAD no frequency). This sequence change replaces arginine, which is basic and polar, with glutamine, which is neutral and polar, at codon 232 of the KCNT1 protein (p.Arg232Gln).

NM_020822.3(KCNT1):c.695G>A (p.Arg232Gln)

Gene: KCNT1 (potassium sodium-activated channel subfamily T member 1; plus strand). Cytogenetic location: 9q34.3.
Variant type: single nucleotide variant.
Coding change: c.695G>A on transcript NM_020822.3 (MANE Select); coding-DNA position 695, G replaced by A.
Protein change: p.Arg232Gln; replaces arginine 232 with glutamine.
Molecular consequence: missense variant.
Genome position (GRCh38, 1-based): chr9:135,757,317, G>A. VCF-style: chr9-135757317-G-A. GRCh37 (hg19) VCF-style: chr9-138649163-G-A.
Other names: c.551G>A, p.Arg184Gln (NM_001272003.2); c.695G>A (NM_020822.2); short protein forms R184Q, R232Q.
Identifiers: ClinVar variation 2157981 (VCV002157981.6), dbSNP rs1831563195, ClinGen allele CA375497418.
Genomic context (GRCh38, chr9:135,757,317, plus strand): 5'-GCGGGCCCTGGAGCCCCAGCCCTGACCTGTCCCCTTCACAGATCTTCTGGCCGCCGCTGC[G>A]GAACCTGTTCATCCCCGTCTTTCTGAACTGCTGGCTGGCCAAGCACGCGCTGGAAAACAT-3'
Protein context (NP_065873.2, residues 222-242): FIITIFWPPL[Arg232Gln]NLFIPVFLNC